The following is an entry in ClinVar:

NM_080732.4(EGLN2):c.839C>G (p.Thr280Ser)

Genes: EGLN2 (egl-9 family hypoxia inducible factor 2; plus strand), RAB4B-EGLN2 (RAB4B-EGLN2 readthrough (NMD candidate); plus strand). Cytogenetic location: 19q13.2.
Variant type: single nucleotide variant.
Coding change: c.839C>G on transcript NM_080732.4 (MANE Select); coding-DNA position 839, C replaced by G.
Protein change: p.Thr280Ser; replaces threonine 280 with serine.
Molecular consequence: missense variant. On other transcripts: non-coding transcript variant (1).
Genome position (GRCh38, 1-based): chr19:40,801,411, C>G. VCF-style: chr19-40801411-C-G. GRCh37 (hg19) VCF-style: chr19-41307316-C-G.
Other names: c.839C>G, p.Thr280Ser (NM_053046.4); short protein forms T280S.
Identifiers: ClinVar variation 1763215 (VCV001763215.2), dbSNP rs1387823742, ClinGen allele CA405956082.

ClinVar aggregate classification (germline): Uncertain significance (1 of 4 stars; one submission).

gnomAD v4.1: 38 of 1,603,112 alleles (0.0024%); highest among the groups gnomAD compares: Non-Finnish European, 0.0031%; no homozygotes.

Submission:

Ambry Genetics
Classification: Uncertain significance. Last evaluated: 2023-11-18. Review status: criteria provided, single submitter. Criteria: Ambry Variant Classification Scheme 2023. Collection method: clinical testing. Allele origin: germline.
Comment: The p.T280S variant (also known as c.839C>G), located in coding exon 1 of the EGLN2 gene, results from a C to G substitution at nucleotide position 839. The threonine at codon 280 is replaced by serine, an amino acid with similar properties. This amino acid position is conserved. In addition, the in silico prediction for this alteration is inconclusive. Since supporting evidence is limited at this time, the clinical significance of this alteration remains unclear.